The following is an entry in ClinVar:

ClinVar aggregate classification (germline): Uncertain significance (1 of 4 stars; one submission).

gnomAD v4.1: 6 of 1,179,627 alleles (0.00051%); highest among the groups gnomAD compares: Middle Eastern, 0.071%; no homozygotes.

Submission:

Labcorp Genetics (formerly Invitae), Labcorp
Classification: Uncertain significance. Last evaluated: 2022-11-28. Review status: criteria provided, single submitter. Criteria: Invitae Variant Classification Sherloc (09022015). Collection method: clinical testing. Allele origin: germline.
Comment: In summary, the available evidence is currently insufficient to determine the role of this variant in disease. Therefore, it has been classified as a Variant of Uncertain Significance. This sequence change falls in intron 2 of the BGN gene. It does not directly change the encoded amino acid sequence of the BGN protein. This variant is present in population databases (rs782280015, gnomAD 0.001%). This variant has not been reported in the literature in individuals affected with BGN-related conditions. Algorithms developed to predict the effect of sequence changes on RNA splicing suggest that this variant may create or strengthen a splice site.

NM_001711.6(BGN):c.239-15G>A

Gene: BGN (biglycan; plus strand). Cytogenetic location: Xq28.
Variant type: single nucleotide variant.
Coding change: c.239-15G>A on transcript NM_001711.6 (MANE Select); 15 bases into the intron before coding-DNA position 239, G replaced by A.
Molecular consequence: intron variant.
Genome position (GRCh38, 1-based): chrX:153,505,223, G>A. VCF-style: chrX-153505223-G-A. GRCh37 (hg19) VCF-style: chrX-152770681-G-A.
Identifiers: ClinVar variation 3005727 (VCV003005727.3), dbSNP rs782280015, ClinGen allele CA10547175.